The following is an entry in ClinVar:

NM_018127.7(ELAC2):c.151T>C (p.Cys51Arg)

Gene: ELAC2 (elaC ribonuclease Z 2; minus strand). Cytogenetic location: 17p12.
Variant type: single nucleotide variant.
Coding change: c.151T>C on transcript NM_018127.7 (MANE Select); coding-DNA position 151, T replaced by C.
Protein change: p.Cys51Arg; replaces cysteine 51 with arginine.
Molecular consequence: missense variant.
Genome position (GRCh38, 1-based): chr17:13,017,797, A>G on the plus strand (T>C on the coding strand, the complement: ELAC2 is on the minus strand). VCF-style: chr17-13017797-A-G. GRCh37 (hg19) VCF-style: chr17-12921114-A-G.
Other names: c.151T>C, p.Cys51Arg (NM_001165962.2, NM_173717.2); short protein forms C51R.
Identifiers: ClinVar variation 1354393 (VCV001354393.6), dbSNP rs2041834237, ClinGen allele CA398219062.
Genomic context (GRCh38, chr17:13,017,797, plus strand): 5'-CCGAGTCCCGGCTACCCGCTGCCACCACCTGCAGGTACACGGTGTTTGGGCCGCCGGAGC[A>G]CCCCGACGGTCCGCGCTTCTCTCGCGTGCGCAGGTGCCGCAGCGGGTCCTTGCGCGGCCG-3'
Protein context (NP_060597.4, residues 41-61): RTREKRGPSG[Cys51Arg]SGGPNTVYLQ

ClinVar aggregate classification (germline): Uncertain significance (1 of 4 stars; one submission).

Conditions:
Combined oxidative phosphorylation defect type 17. Also called: Combined oxidative phosphorylation deficiency 17. Identifiers: Orphanet 369913, MedGen C3809526, MONDO:0014190, OMIM 615440.

Allele frequency attached by ClinVar (database versions not stated): gnomAD exomes below 0.00001.

Submission:

Labcorp Genetics (formerly Invitae), Labcorp
Classification: Uncertain significance for Combined oxidative phosphorylation defect type 17. Last evaluated: 2022-08-09. Review status: criteria provided, single submitter. Criteria: Invitae Variant Classification Sherloc (09022015). Collection method: clinical testing. Allele origin: germline.
Comment: ClinVar contains an entry for this variant (Variation ID: 1354393). In summary, the available evidence is currently insufficient to determine the role of this variant in disease. Therefore, it has been classified as a Variant of Uncertain Significance. Algorithms developed to predict the effect of missense changes on protein structure and function (SIFT, PolyPhen-2, Align-GVGD) all suggest that this variant is likely to be tolerated. This variant has not been reported in the literature in individuals affected with ELAC2-related conditions. This variant is not present in population databases (gnomAD no frequency). This sequence change replaces cysteine, which is neutral and slightly polar, with arginine, which is basic and polar, at codon 51 of the ELAC2 protein (p.Cys51Arg).